The following is an entry in ClinVar:

ClinVar aggregate classification (germline): Uncertain significance (1 of 4 stars; one submission).

Conditions:
Melnick-Needles syndrome (MNS). Also called: MELNICK-NEEDLES OSTEODYSPLASTY; OSTEODYSPLASTY OF MELNICK AND NEEDLES; Melnick-Needles Syndrome (FLNA-MNS). Identifiers: Orphanet 2484, MedGen C0025237, MONDO:0010650, OMIM 309350.
Frontometaphyseal dysplasia (FMD1). Identifiers: Orphanet 1826, MedGen C0265293, MONDO:0015942.
Heterotopia, periventricular, X-linked dominant (PVNH1). Also called: PERIVENTRICULAR NODULAR HETEROTOPIA 1; X-linked periventricular heterotopia; PERIVENTRICULAR NODULAR HETEROTOPIA 4; HETEROTOPIA, PERIVENTRICULAR, 1. Identifiers: Orphanet 2149, Orphanet 82004, MedGen C1848213, MONDO:0010233, OMIM 300049.
Oto-palato-digital syndrome, type II (OPD2). Also called: FACIOPALATOOSSEOUS SYNDROME; OPD II SYNDROME; Otopalatodigital Syndrome, Type II; Otopalatodigital Syndrome Type 2 (FLNA-OPD2). Identifiers: Orphanet 669, Orphanet 90652, MedGen C1844696, MONDO:0010571, OMIM 304120.

gnomAD v4.1: 1 of 1,210,838 alleles (0.000083%); highest among the groups gnomAD compares: Non-Finnish European, 0.00011%; no homozygotes.

Submission:

Labcorp Genetics (formerly Invitae), Labcorp
Classification: Uncertain significance for Oto-palato-digital syndrome, type II; Heterotopia, periventricular, X-linked dominant; Frontometaphyseal dysplasia; Melnick-Needles syndrome. Last evaluated: 2024-06-24. Review status: criteria provided, single submitter. Criteria: Invitae Variant Classification Sherloc (09022015). Collection method: clinical testing. Allele origin: germline.
Comment: This sequence change falls in intron 15 of the FLNA gene. It does not directly change the encoded amino acid sequence of the FLNA protein. It affects a nucleotide within the consensus splice site. This variant is not present in population databases (gnomAD no frequency). This variant has not been reported in the literature in individuals affected with FLNA-related conditions. Variants that disrupt the consensus splice site are a relatively common cause of aberrant splicing (PMID: 17576681, 9536098). Algorithms developed to predict the effect of sequence changes on RNA splicing suggest that this variant is not likely to affect RNA splicing. In summary, the available evidence is currently insufficient to determine the role of this variant in disease. Therefore, it has been classified as a Variant of Uncertain Significance.

Literature cited by the submitters: PubMed 17576681; PubMed 9536098.

NM_001110556.2(FLNA):c.2280+3G>A

Gene: FLNA (filamin A; minus strand). Cytogenetic location: Xq28.
Variant type: single nucleotide variant.
Coding change: c.2280+3G>A on transcript NM_001110556.2 (MANE Select); 3 bases into the intron after coding-DNA position 2280, G replaced by A.
Molecular consequence: intron variant.
Genome position (GRCh38, 1-based): chrX:154,364,019, C>T on the plus strand (G>A on the coding strand, the complement: FLNA is on the minus strand). VCF-style: chrX-154364019-C-T. GRCh37 (hg19) VCF-style: chrX-153592387-C-T.
Other names: c.2280+3G>A (NM_001456.4).
Identifiers: ClinVar variation 3756951 (VCV003756951.2).